The following is an entry in ClinVar:

NM_212482.4(FN1):c.1941T>G (p.Pro647=)

Gene: FN1 (fibronectin 1; minus strand). Cytogenetic location: 2q35.
Variant type: single nucleotide variant.
Coding change: c.1941T>G on transcript NM_212482.4 (MANE Select); coding-DNA position 1941, T replaced by G.
Protein change: p.Pro647=; no amino-acid change (proline 647 retained).
Molecular consequence: synonymous variant.
Genome position (GRCh38, 1-based): chr2:215,414,837, A>C on the plus strand (T>G on the coding strand, the complement: FN1 is on the minus strand). VCF-style: chr2-215414837-A-C. GRCh37 (hg19) VCF-style: chr2-216279560-A-C.
Other names: c.1941T>G, p.Pro647= (NM_001306129.2, NM_001306130.2, NM_001306131.2 and 14 more transcripts).
Identifiers: ClinVar variation 2901319 (VCV002901319.5), dbSNP rs1304755474, ClinGen allele CA431155653.
Genomic context (GRCh38, chr2:215,414,837, plus strand): 5'-CCATCAGAATTGATAAGATTAGGAGACTCAGTATCCAAGGTTTCTGGGTGGGATACTCAC[A>C]GGTCTCCACCTGAGAATGTACTTGGAAATGTGAGATGGCTGTGGTGCATTCCACTGGATG-3'
Protein context (NP_997647.2, residues 637-657): HISKYILRWR[Pro647=]KNSVGRWKEA

ClinVar aggregate classification (germline): Conflicting classifications of pathogenicity. Review status: criteria provided, conflicting classifications (1 of 4 stars). 2 submissions from 2 submitters: Uncertain significance (1); Likely benign (1). Last evaluated 2026-06-01.

Allele frequency attached by ClinVar (database versions not stated): TOPMed 0.00001.
gnomAD v4.1: 1 of 1,613,710 alleles (0.000062%); highest among the groups gnomAD compares: Admixed American, 0.0017%; no homozygotes.

Submissions (2):

CeGaT Center for Human Genetics Tuebingen
Classification: Likely benign. Last evaluated: 2026-06-01. Review status: criteria provided, single submitter. Criteria: CeGaT Center For Human Genetics Tuebingen Variant Classification Criteria Version 2. Collection method: clinical testing. Allele origin: germline. Affected: yes. Observed: 1 variant allele.
Comment: FN1: BP4, BP7

Labcorp Genetics (formerly Invitae), Labcorp
Classification: Uncertain significance. Last evaluated: 2025-10-07. Review status: criteria provided, single submitter. Criteria: Invitae Variant Classification Sherloc (09022015). Collection method: clinical testing. Allele origin: germline.
Comment: This sequence change affects codon 647 of the FN1 mRNA. It is a 'silent' change, meaning that it does not change the encoded amino acid sequence of the FN1 protein. It affects a nucleotide within the consensus splice site. This variant is present in population databases (no rsID available, gnomAD 0.003%). This variant has not been reported in the literature in individuals affected with FN1-related conditions. ClinVar contains an entry for this variant (Variation ID: 2901319). Algorithms developed to predict the effect of sequence changes on RNA splicing suggest that this variant is not likely to affect RNA splicing. In summary, the available evidence is currently insufficient to determine the role of this variant in disease. Therefore, it has been classified as a Variant of Uncertain Significance.